The following is an entry in ClinVar:

NM_000112.4(SLC26A2):c.2018A>T (p.Asp673Val)

Gene: SLC26A2 (solute carrier family 26 member 2; plus strand). Cytogenetic location: 5q32.
Variant type: single nucleotide variant.
Coding change: c.2018A>T on transcript NM_000112.4 (MANE Select); coding-DNA position 2018, A replaced by T.
Protein change: p.Asp673Val; replaces aspartic acid 673 with valine.
Molecular consequence: missense variant.
Genome position (GRCh38, 1-based): chr5:149,981,611, A>T. VCF-style: chr5-149981611-A-T. GRCh37 (hg19) VCF-style: chr5-149361174-A-T.
Other names: short protein forms D673V.
Identifiers: ClinVar variation 2136343 (VCV002136343.4), dbSNP rs774700553, ClinGen allele CA3505533.
Genomic context (GRCh38, chr5:149,981,611, plus strand): 5'-GCAGTGCAATTCAATTTTTAGATACAGCAGGGATCCACACACTGAAAGAAGTTCGCAGAG[A>T]TTATGAAGCCATTGGAATCCAGGTTCTGCTGGCTCAGTGCAATCCCACTGTGAGGGATTC-3'
Protein context (NP_000103.2, residues 663-683): GIHTLKEVRR[Asp673Val]YEAIGIQVLL

ClinVar aggregate classification (germline): Conflicting classifications of pathogenicity. Review status: criteria provided, conflicting classifications (1 of 4 stars). 3 submissions from 3 submitters: Likely pathogenic (2); Uncertain significance (1). Last evaluated 2023-08-23.

Conditions:
Achondrogenesis, type IB (ACG1B). Also called: Achondrogenesis Type 1B. Identifiers: Orphanet 932, Orphanet 93298, MedGen C0265274, MONDO:0010966, OMIM 600972.
Multiple epiphyseal dysplasia type 4 (EDM4). Also called: MULTIPLE EPIPHYSEAL DYSPLASIA WITH BILAYERED PATELLAE; MULTIPLE EPIPHYSEAL DYSPLASIA WITH CLUBFOOT; MULTIPLE EPIPHYSEAL DYSPLASIA, AUTOSOMAL RECESSIVE; Multiple Epiphyseal Dysplasia, Recessive; SLC26A2-Related Multiple Epiphyseal Dysplasia. Identifiers: Orphanet 93307, MedGen C1847593, MONDO:0009189, OMIM 226900.
Atelosteogenesis type II (AO2). Also called: NEONATAL OSSEOUS DYSPLASIA I; SLC26A2-Related Atelosteogenesis; Neonatal osseous dysplasia 1. Identifiers: Orphanet 56304, MedGen C1850554, MONDO:0009727, OMIM 256050.
Diastrophic dysplasia (DTD). Also called: Diastrophic dwarfism. Identifiers: Orphanet 628, MedGen C0220726, MONDO:0009107, OMIM 222600.

Allele frequency attached by ClinVar (database versions not stated): gnomAD 0.00001; TOPMed 0.00001.

Submissions (3):

3billion
Classification: Likely pathogenic for Multiple epiphyseal dysplasia type 4. Last evaluated: 2023-08-23. Review status: criteria provided, single submitter. Criteria: ACMG Guidelines, 2015. Collection method: clinical testing. Allele origin: germline. Affected: yes.
Comment: The variant is observed at an extremely low frequency in the gnomAD v2.1.1 dataset (total allele frequency: 0.001%). Predicted Consequence/Location: Protein truncation variants are a common disease-causing mechanism. Functional studies provide moderate evidence of the variant having a damaging effect on the gene or gene product (PMID: 26077908). In silico tool predictions suggest damaging effect of the variant on gene or gene product [REVEL: 0.87 (>=0.6, sensitivity 0.68 and specificity 0.92)]. Same nucleotide change resulting in same amino acid change has been previously reported to be associated with SLC26A2 related disorder (PMID: 26077908). Therefore, this variant is classified as Likely pathogenic according to the recommendation of ACMG/AMP guideline.

Labcorp Genetics (formerly Invitae), Labcorp
Classification: Uncertain significance for Atelosteogenesis type II; Multiple epiphyseal dysplasia type 4; Achondrogenesis, type IB; Diastrophic dysplasia. Last evaluated: 2021-09-01. Review status: criteria provided, single submitter. Criteria: Invitae Variant Classification Sherloc (09022015). Collection method: clinical testing. Allele origin: germline.
Comment: This sequence change replaces aspartic acid with valine at codon 673 of the SLC26A2 protein (p.Asp673Val). The aspartic acid residue is highly conserved and there is a large physicochemical difference between aspartic acid and valine. This variant is present in population databases (rs774700553, ExAC 0.01%). This missense change has been observed in individual(s) with SLC26A2-related conditions (PMID: 26077908). Algorithms developed to predict the effect of missense changes on protein structure and function (SIFT, PolyPhen-2, Align-GVGD) all suggest that this variant is likely to be disruptive. In summary, the available evidence is currently insufficient to determine the role of this variant in disease. Therefore, it has been classified as a Variant of Uncertain Significance.

Juno Genomics, Hangzhou Juno Genomics, Inc
Classification: Likely pathogenic for Achondrogenesis, type IB; Atelosteogenesis type II; Diastrophic dysplasia; Multiple epiphyseal dysplasia type 4. Review status: criteria provided, single submitter. Criteria: ACMG Guidelines, 2015. Collection method: clinical testing. Allele origin: germline.
Comment: Absent from controls (or at extremely low frequency if recessive) in Genome Aggregation Database.;For recessive disorders, detected in trans with a pathogenic variant.;Patient's phenotype or family history is highly specific for a disease with a single genetic etiology.;Well-established in vitro or in vivo functional studies supportive of a damaging effect on the gene or gene product.

Literature cited by the submitters: PubMed 26077908 (cited by 3billion and Labcorp Genetics (formerly Invitae), Labcorp).